The following is an entry in ClinVar:

ClinVar aggregate classification (germline): Uncertain significance. Review status: criteria provided, multiple submitters, no conflicts (2 of 4 stars). 2 submissions from 2 submitters: Uncertain significance (2). Last evaluated 2023-12-26.

Conditions:
Hereditary spastic paraplegia 11. Also called: SPASTIC PARAPLEGIA, AUTOSOMAL RECESSIVE, COMPLICATED, WITH THIN CORPUS CALLOSUM; SPASTIC PARAPLEGIA, AUTOSOMAL RECESSIVE, WITH MENTAL IMPAIRMENT AND THIN CORPUS CALLOSUM; Spastic paraplegia, mental retardation and thin corpus callosum; Spastic Paraplegia 11; Nakamura Osame syndrome; Autosomal recessive hereditary spastic paraplegia, mental impairment, and thin corpus callosum. Identifiers: Orphanet 2822, MedGen C1858479, MONDO:0011445, OMIM 604360.

Allele frequency attached by ClinVar (database versions not stated): TOPMed 0.00001.
gnomAD v4.1: 6 of 1,614,228 alleles (0.00037%); highest among the groups gnomAD compares: Non-Finnish European, 0.00051%; no homozygotes.

Submissions (2):

GeneDx
Classification: Uncertain significance. Last evaluated: 2023-12-26. Review status: criteria provided, single submitter. Criteria: GeneDx Variant Classification Process June 2021. Collection method: clinical testing. Allele origin: germline. Affected: yes.
Comment: Not observed at significant frequency in large population cohorts (gnomAD); In silico analysis supports that this missense variant does not alter protein structure/function; Has not been previously published as pathogenic or benign to our knowledge

Labcorp Genetics (formerly Invitae), Labcorp
Classification: Uncertain significance for Hereditary spastic paraplegia 11. Last evaluated: 2021-12-13. Review status: criteria provided, single submitter. Criteria: Invitae Variant Classification Sherloc (09022015). Collection method: clinical testing. Allele origin: germline.
Comment: This sequence change replaces threonine, which is neutral and polar, with proline, which is neutral and non-polar, at codon 1851 of the SPG11 protein (p.Thr1851Pro). This variant is not present in population databases (gnomAD no frequency). This variant has not been reported in the literature in individuals affected with SPG11-related conditions. Algorithms developed to predict the effect of missense changes on protein structure and function are either unavailable or do not agree on the potential impact of this missense change (SIFT: "Tolerated"; PolyPhen-2: "Probably Damaging"; Align-GVGD: "Class C0"). In summary, the available evidence is currently insufficient to determine the role of this variant in disease. Therefore, it has been classified as a Variant of Uncertain Significance.

NM_025137.4(SPG11):c.5551A>C (p.Thr1851Pro)

Gene: SPG11 (SPG11 vesicle trafficking associated, spatacsin; minus strand). Cytogenetic location: 15q21.1.
Variant type: single nucleotide variant.
Coding change: c.5551A>C on transcript NM_025137.4 (MANE Select); coding-DNA position 5551, A replaced by C.
Protein change: p.Thr1851Pro; replaces threonine 1851 with proline.
Molecular consequence: missense variant.
Genome position (GRCh38, 1-based): chr15:44,584,129, T>G on the plus strand (A>C on the coding strand, the complement: SPG11 is on the minus strand). VCF-style: chr15-44584129-T-G. GRCh37 (hg19) VCF-style: chr15-44876327-T-G.
Other names: c.5551A>C (NM_025137.3); c.5551A>C, p.Thr1851Pro (NM_001160227.2); c.5407A>C, p.Thr1803Pro (NM_001411132.1); short protein forms T1803P, T1851P.
Identifiers: ClinVar variation 1907196 (VCV001907196.3), dbSNP rs2082709424, ClinGen allele CA392222206.